The following is an entry in ClinVar:

NM_024996.7(GFM1):c.1114C>T (p.Arg372Cys)

Gene: GFM1 (G elongation factor mitochondrial 1; plus strand). Cytogenetic location: 3q25.32.
Variant type: single nucleotide variant.
Coding change: c.1114C>T on transcript NM_024996.7 (MANE Select); coding-DNA position 1114, C replaced by T.
Protein change: p.Arg372Cys; replaces arginine 372 with cysteine.
Molecular consequence: missense variant. On other transcripts: non-coding transcript variant (4), intron variant (1).
Genome position (GRCh38, 1-based): chr3:158,658,952, C>T. VCF-style: chr3-158658952-C-T. GRCh37 (hg19) VCF-style: chr3-158376741-C-T.
Other names: p.R372C:CGC>TGC; c.1171C>T, p.Arg391Cys (NM_001308164.2); c.1114C>T, p.Arg372Cys (NM_001308166.2); c.997C>T, p.Arg333Cys (NM_001374356.1); c.889C>T, p.Arg297Cys (NM_001374357.1); c.655C>T, p.Arg219Cys (NM_001374358.1); c.547C>T, p.Arg183Cys (NM_001374359.1, NM_001374360.1); c.430C>T, p.Arg144Cys (NM_001374361.1); and 1 more; short protein forms R372C, R391C, R144C, R183C, R219C, R297C, R333C.
Identifiers: ClinVar variation 214486 (VCV000214486.7), dbSNP rs544389920, ClinGen allele CA322064.

ClinVar aggregate classification (germline): Uncertain significance. Review status: criteria provided, multiple submitters, no conflicts (2 of 4 stars). 2 submissions from 2 submitters: Uncertain significance (2). Last evaluated 2025-01-16.

Conditions:
Inborn genetic diseases. Identifiers: MedGen C0950123, MeSH D030342.

Allele frequency attached by ClinVar (database versions not stated): ExAC 0.00002; gnomAD exomes 0.00002 and 0.00003; TOPMed 0.00003; gnomAD 0.00004 and 0.00005; 1000 Genomes Project 30x 0.00016; 1000 Genomes Project 0.00020.
gnomAD v4.1: 36 of 1,614,096 alleles (0.0022%); highest among the groups gnomAD compares: East Asian, 0.0067%; no homozygotes.

Submissions (2):

GeneDx
Classification: Uncertain significance. Last evaluated: 2025-01-16. Review status: criteria provided, single submitter. Criteria: GeneDx Variant Classification Process June 2021. Collection method: clinical testing. Allele origin: germline. Affected: yes.
Comment: Not observed at significant frequency in large population cohorts (gnomAD); In silico analysis supports that this missense variant has a deleterious effect on protein structure/function; Has not been previously published as pathogenic or benign to our knowledge; In silico analysis suggests this variant may impact gene splicing. In the absence of RNA/functional studies, the actual effect of this sequence change is unknown.

Ambry Genetics
Classification: Uncertain significance for Inborn genetic diseases. Last evaluated: 2025-01-10. Review status: criteria provided, single submitter. Criteria: Ambry Variant Classification Scheme 2023. Collection method: clinical testing. Allele origin: germline.